The following is an entry in ClinVar:

NM_005228.5(EGFR):c.988G>C (p.Glu330Gln)

Gene: EGFR (epidermal growth factor receptor; plus strand). Cytogenetic location: 7p11.2.
Variant type: single nucleotide variant.
Coding change: c.988G>C on transcript NM_005228.5 (MANE Select); coding-DNA position 988, G replaced by C.
Protein change: p.Glu330Gln; replaces glutamic acid 330 with glutamine.
Molecular consequence: missense variant.
Genome position (GRCh38, 1-based): chr7:55,155,928, G>C. VCF-style: chr7-55155928-G-C. GRCh37 (hg19) VCF-style: chr7-55223621-G-C.
Other names: c.853G>C, p.Glu285Gln (NM_001346897.2, NM_001346899.2); c.988G>C, p.Glu330Gln (NM_001346898.2, NM_201282.2, NM_201283.2 and 1 more transcripts); c.829G>C, p.Glu277Gln (NM_001346900.2); c.187G>C, p.Glu63Gln (NM_001346941.2); short protein forms E330Q, E63Q, E277Q, E285Q.
Identifiers: ClinVar variation 4016767 (VCV004016767.1).
Genomic context (GRCh38, chr7:55,155,928, plus strand): 5'-GCCTGTGGGGCCGACAGCTATGAGATGGAGGAAGACGGCGTCCGCAAGTGTAAGAAGTGC[G>C]AAGGGCCTTGCCGCAAAGGTAGGAAGCCCGCCGGTGTGCGGACGAGGCTTGTTCTCGGCT-3'
Protein context (NP_005219.2, residues 320-340): EDGVRKCKKC[Glu330Gln]GPCRKVCNGI

ClinVar aggregate classification (germline): Uncertain significance (1 of 4 stars; one submission).

Conditions:
Hereditary cancer-predisposing syndrome. Also called: Tumor predisposition; Hereditary neoplastic syndrome; Neoplastic Syndromes, Hereditary; Hereditary Cancer Syndrome. Identifiers: Orphanet 140162, MedGen C0027672, MeSH D009386, MONDO:0015356.

Submission:

Ambry Genetics
Classification: Uncertain significance for Hereditary cancer-predisposing syndrome. Last evaluated: 2025-05-05. Review status: criteria provided, single submitter. Criteria: Ambry Variant Classification Scheme 2023. Collection method: clinical testing. Allele origin: germline.
Comment: The p.E330Q variant (also known as c.988G>C), located in coding exon 8 of the EGFR gene, results from a G to C substitution at nucleotide position 988. The glutamic acid at codon 330 is replaced by glutamine, an amino acid with highly similar properties. This amino acid position is conserved. In addition, this alteration is predicted to be tolerated by in silico analysis. Based on the available evidence, the clinical significance of this variant remains unclear.